The following is an entry in ClinVar:

ClinVar aggregate classification (germline): Uncertain significance. Review status: criteria provided, multiple submitters, no conflicts (2 of 4 stars). 5 submissions from 4 submitters: Uncertain significance (5). Last evaluated 2025-10-15.

Conditions:
Primary failure of tooth eruption. Also called: DENTAL NONERUPTION; PRIMARY RETENTION OF TEETH; UNERUPTED SECOND PRIMARY MOLAR; POSTERIOR OPENBITE MALOCCLUSION, FAMILIAL. Identifiers: Orphanet 412206, MedGen C1852222, MONDO:0007434, OMIM 125350.
Metaphyseal chondrodysplasia, Jansen type. Also called: Metaphyseal chondrodysplasia Murk Jansen type; PTH1R-Related Jansen Metaphyseal Chondrodysplasia. Identifiers: Orphanet 33067, MedGen C0265295, MONDO:0007982, OMIM 156400.
Chondrodysplasia Blomstrand type (BOCD). Identifiers: Orphanet 50945, MedGen C1859148, MONDO:0008970, OMIM 215045.
Eiken syndrome (EKNS). Also called: BONE MODELING DEFECT OF HANDS AND FEET. Identifiers: Orphanet 79106, MedGen C1838779, MONDO:0010803, OMIM 600002.

Allele frequency attached by ClinVar (database versions not stated): ExAC 0.00002; gnomAD exomes 0.00003; TOPMed 0.00006; ESP Exome Variant Server 0.00008.
gnomAD v4.1: 59 of 1,612,676 alleles (0.0037%); highest among the groups gnomAD compares: Middle Eastern, 0.016%; no homozygotes.

Submissions (5):

Labcorp Genetics (formerly Invitae), Labcorp
Classification: Uncertain significance. Last evaluated: 2025-10-15. Review status: criteria provided, single submitter. Criteria: Invitae Variant Classification Sherloc (09022015). Collection method: clinical testing. Allele origin: germline.
Comment: This sequence change replaces arginine, which is basic and polar, with tryptophan, which is neutral and slightly polar, at codon 580 of the PTH1R protein (p.Arg580Trp). This variant is present in population databases (rs139381461, gnomAD 0.006%). This variant has not been reported in the literature in individuals affected with PTH1R-related conditions. ClinVar contains an entry for this variant (Variation ID: 903189). An algorithm developed to predict the effect of missense changes on protein structure and function (PolyPhen-2) suggests that this variant is likely to be disruptive. In summary, the available evidence is currently insufficient to determine the role of this variant in disease. Therefore, it has been classified as a Variant of Uncertain Significance.

Fulgent Genetics
Classification: Uncertain significance for Primary failure of tooth eruption; Metaphyseal chondrodysplasia, Jansen type; Chondrodysplasia Blomstrand type; Eiken syndrome. Last evaluated: 2024-06-03. Review status: criteria provided, single submitter. Criteria: ACMG Guidelines, 2015. Collection method: clinical testing. Allele origin: germline.

GeneDx
Classification: Uncertain significance. Last evaluated: 2023-12-21. Review status: criteria provided, single submitter. Criteria: GeneDx Variant Classification Process June 2021. Collection method: clinical testing. Allele origin: germline. Affected: yes.
Comment: Has not been previously published as pathogenic or benign to our knowledge; In silico analysis supports that this missense variant has a deleterious effect on protein structure/function

Illumina Laboratory Services, Illumina
Classification: Uncertain significance for Metaphyseal chondrodysplasia, Jansen type. Last evaluated: 2018-01-12. Review status: criteria provided, single submitter. Criteria: ICSL Variant Classification Criteria 13 December 2019. Collection method: clinical testing. Allele origin: germline.

Illumina Laboratory Services, Illumina
Classification: Uncertain significance for Chondrodysplasia Blomstrand type. Last evaluated: 2018-01-12. Review status: criteria provided, single submitter. Criteria: ICSL Variant Classification Criteria 13 December 2019. Collection method: clinical testing. Allele origin: germline.

NM_000316.3(PTH1R):c.1738C>T (p.Arg580Trp)

Gene: PTH1R (parathyroid hormone 1 receptor; plus strand). Cytogenetic location: 3p21.31.
Variant type: single nucleotide variant.
Coding change: c.1738C>T on transcript NM_000316.3 (MANE Select); coding-DNA position 1738, C replaced by T.
Protein change: p.Arg580Trp; replaces arginine 580 with tryptophan.
Molecular consequence: missense variant.
Genome position (GRCh38, 1-based): chr3:46,903,612, C>T. VCF-style: chr3-46903612-C-T. GRCh37 (hg19) VCF-style: chr3-46945102-C-T.
Other names: c.1738C>T, p.Arg580Trp (NM_001184744.1); short protein forms R580W.
Identifiers: ClinVar variation 903189 (VCV000903189.12), dbSNP rs139381461, ClinGen allele CA2359617.
Genomic context (GRCh38, chr3:46,903,612, plus strand): 5'-GACGATGGGTTCCTCAACGGCTCCTGCTCAGGCCTGGACGAGGAGGCCTCTGGGCCTGAG[C>T]GGCCACCTGCCCTGCTACAGGAAGAGTGGGAGACAGTCATGTGACCAGGCGCTGGGGGCT-3'
Protein context (NP_000307.1, residues 570-590): GLDEEASGPE[Arg580Trp]PPALLQEEWE